The following is an entry in ClinVar:

ClinVar aggregate classification (germline): Uncertain significance (1 of 4 stars; one submission).

Allele frequency attached by ClinVar (database versions not stated): gnomAD exomes below 0.00001; TOPMed below 0.00001; ExAC 0.00001; gnomAD 0.00001.
gnomAD v4.1: 2 of 1,595,324 alleles (0.00013%); highest among the groups gnomAD compares: African/African-American, 0.0013%; no homozygotes.

Submission:

GeneDx
Classification: Uncertain significance. Last evaluated: 2022-02-18. Review status: criteria provided, single submitter. Criteria: GeneDx Variant Classification Process June 2021. Collection method: clinical testing. Allele origin: germline. Affected: yes.
Comment: Not observed at significant frequency in large population cohorts (gnomAD); In silico analysis supports that this missense variant has a deleterious effect on protein structure/function; Has not been previously published as pathogenic or benign to our knowledge

NM_001282597.3(CTNNA2):c.1673T>C (p.Met558Thr)

Gene: CTNNA2 (catenin alpha 2; plus strand). Cytogenetic location: 2p12.
Variant type: single nucleotide variant.
Coding change: c.1673T>C on transcript NM_001282597.3 (MANE Select); coding-DNA position 1673, T replaced by C.
Protein change: p.Met558Thr; replaces methionine 558 with threonine.
Molecular consequence: missense variant.
Genome position (GRCh38, 1-based): chr2:80,555,825, T>C. VCF-style: chr2-80555825-T-C. GRCh37 (hg19) VCF-style: chr2-80782950-T-C.
Other names: c.1673T>C, p.Met558Thr (NM_001164883.2, NM_001399737.1, NM_004389.4); c.1775T>C, p.Met592Thr (NM_001282598.2); c.710T>C, p.Met237Thr (NM_001282599.2); c.569T>C, p.Met190Thr (NM_001282600.2, NM_001320810.2); short protein forms M190T, M237T, M558T, M592T.
Identifiers: ClinVar variation 1702616 (VCV001702616.2), dbSNP rs760685287, ClinGen allele CA1735710.